The following is an entry in ClinVar:

ClinVar aggregate classification (germline): Conflicting classifications of pathogenicity. Review status: criteria provided, conflicting classifications (1 of 4 stars). 8 submissions from 8 submitters: Uncertain significance (7); Likely benign (1). Last evaluated 2025-10-28.

Conditions:
Dilated cardiomyopathy 1W (CMD1W). Identifiers: Orphanet 154, MedGen C1969639, MONDO:0012667, OMIM 611407.
Hypertrophic cardiomyopathy 15. Identifiers: MedGen C2750459, MONDO:0013200, OMIM 613255.
Cardiovascular phenotype. Identifiers: MedGen CN230736.

Allele frequency attached by ClinVar (database versions not stated): gnomAD 0.00001; ExAC 0.00002; gnomAD exomes 0.00002 and 0.00007; TOPMed 0.00002.
gnomAD v4.1: 100 of 1,614,082 alleles (0.0062%); highest among the groups gnomAD compares: Non-Finnish European, 0.0084%; no homozygotes.

Submissions (8):

Labcorp Genetics (formerly Invitae), Labcorp
Classification: Uncertain significance for Dilated cardiomyopathy 1W. Last evaluated: 2025-10-28. Review status: criteria provided, single submitter. Criteria: Invitae Variant Classification Sherloc (09022015). Collection method: clinical testing. Allele origin: germline.
Comment: This sequence change replaces alanine, which is neutral and non-polar, with valine, which is neutral and non-polar, at codon 936 of the VCL protein (p.Ala936Val). This variant is present in population databases (rs754681045, gnomAD 0.005%). This variant has not been reported in the literature in individuals affected with VCL-related conditions. ClinVar contains an entry for this variant (Variation ID: 300797). An algorithm developed to predict the effect of missense changes on protein structure and function (PolyPhen-2) suggests that this variant is likely to be tolerated. In summary, the available evidence is currently insufficient to determine the role of this variant in disease. Therefore, it has been classified as a Variant of Uncertain Significance.

Ambry Genetics
Classification: Uncertain significance for Cardiovascular phenotype. Last evaluated: 2025-08-29. Review status: criteria provided, single submitter. Criteria: Ambry Variant Classification Scheme 2023. Collection method: clinical testing. Allele origin: germline.

Molecular Diagnostic Laboratory for Inherited Cardiovascular Disease, Montreal Heart Institute
Classification: Uncertain significance for Cardiovascular phenotype. Last evaluated: 2025-04-09. Review status: criteria provided, single submitter. Criteria: ACMG Guidelines, 2015. Collection method: clinical testing. Allele origin: germline. Affected: yes.
Comment: PM2, BP4, BP5

Blueprint Genetics
Classification: Likely benign. Last evaluated: 2023-09-01. Review status: criteria provided, single submitter. Criteria: ACMG Guidelines, 2015. Collection method: clinical testing. Allele origin: germline.

GeneDx
Classification: Uncertain significance. Last evaluated: 2023-01-11. Review status: criteria provided, single submitter. Criteria: GeneDx Variant Classification Process June 2021. Collection method: clinical testing. Allele origin: germline. Affected: yes.
Comment: Has not been previously published as pathogenic or benign to our knowledge; In silico analysis supports that this missense variant does not alter protein structure/function

Fulgent Genetics
Classification: Uncertain significance for Dilated cardiomyopathy 1W; Hypertrophic cardiomyopathy 15. Last evaluated: 2021-09-21. Review status: criteria provided, single submitter. Criteria: ACMG Guidelines, 2015. Collection method: clinical testing. Allele origin: unknown.

Revvity Omics, Revvity
Classification: Uncertain significance. Last evaluated: 2020-04-30. Review status: criteria provided, single submitter. Criteria: ACMG Guidelines, 2015. Collection method: clinical testing. Allele origin: germline.

Illumina Laboratory Services, Illumina
Classification: Uncertain significance for Dilated cardiomyopathy 1W. Last evaluated: 2018-01-12. Review status: criteria provided, single submitter. Criteria: ICSL Variant Classification Criteria 13 December 2019. Collection method: clinical testing. Allele origin: germline.

NM_014000.3(VCL):c.2807C>T (p.Ala936Val)

Gene: VCL (vinculin; plus strand). Cytogenetic location: 10q22.2.
Variant type: single nucleotide variant.
Coding change: c.2807C>T on transcript NM_014000.3 (MANE Select); coding-DNA position 2807, C replaced by T.
Protein change: p.Ala936Val; replaces alanine 936 with valine.
Molecular consequence: missense variant. On other transcripts: intron variant (1).
Genome position (GRCh38, 1-based): chr10:74,111,970, C>T. VCF-style: chr10-74111970-C-T. GRCh37 (hg19) VCF-style: chr10-75871728-C-T.
Other names: c.2746-2214C>T (NM_003373.4); short protein forms A936V.
Identifiers: ClinVar variation 300797 (VCV000300797.21), dbSNP rs754681045, ClinGen allele CA5563314.
Genomic context (GRCh38, chr10:74,111,970, plus strand): 5'-CGGGCATCCCAGCCGCTGAGGTGGGTATAGGTGTTGTAGCTGAGGCAGATGCGGCCGATG[C>T]TGCTGGCTTCCCTGTCCCCCCTGACATGGAAGACGATTACGAACCTGAGCTGCTGTTAAT-3'
Protein context (NP_054706.1, residues 926-946): GVVAEADAAD[Ala936Val]AGFPVPPDME